The following is an entry in ClinVar:

NM_001130987.2(DYSF):c.5578A>T (p.Arg1860Ter)

Gene: DYSF (dysferlin; plus strand). Cytogenetic location: 2p13.2.
Variant type: single nucleotide variant.
Coding change: c.5578A>T on transcript NM_001130987.2 (MANE Select); coding-DNA position 5578, A replaced by T.
Protein change: p.Arg1860Ter; replaces arginine 1860 with a stop codon.
Molecular consequence: nonsense.
Genome position (GRCh38, 1-based): chr2:71,669,143, A>T. VCF-style: chr2-71669143-A-T. GRCh37 (hg19) VCF-style: chr2-71896273-A-T.
Other names: c.5464A>T, p.Arg1822Ter (NM_001130455.2); c.5419A>T, p.Arg1807Ter (NM_001130976.2); c.5482A>T, p.Arg1828Ter (NM_001130977.2); c.5524A>T, p.Arg1842Ter (NM_001130978.2); c.5554A>T, p.Arg1852Ter (NM_001130979.2); c.5512A>T, p.Arg1838Ter (NM_001130980.2); c.5575A>T, p.Arg1859Ter (NM_001130981.2); c.5557A>T, p.Arg1853Ter (NM_001130982.2); and 5 more; short protein forms R1808*, R1828*, R1829*, R1838*, R1852*, R1839*, R1843*, R1807*.
Identifiers: ClinVar variation 1367528 (VCV001367528.7), dbSNP rs2152955939, ClinGen allele CA347222793.

ClinVar aggregate classification (germline): Pathogenic. Review status: criteria provided, multiple submitters, no conflicts (2 of 4 stars). 2 submissions from 2 submitters: Pathogenic (2). Last evaluated 2024-01-02.

Conditions:
Neuromuscular disease caused by qualitative or quantitative defects of dysferlin. Also called: Dysferlinopathy; Qualitative or quantitative defects of dysferlin. Identifiers: Orphanet 207073, MedGen C2931687, MONDO:0016145.
Miyoshi muscular dystrophy 1 (MMD1). Identifiers: Orphanet 45448, MedGen C4551973, MONDO:0024545, OMIM 254130.

Submissions (2):

Baylor Genetics
Classification: Pathogenic for Miyoshi muscular dystrophy 1. Last evaluated: 2024-01-02. Review status: criteria provided, single submitter. Criteria: ACMG Guidelines, 2015. Collection method: clinical testing. Allele origin: unknown.

Labcorp Genetics (formerly Invitae), Labcorp
Classification: Pathogenic for Neuromuscular disease caused by qualitative or quantitative defects of dysferlin. Last evaluated: 2021-11-15. Review status: criteria provided, single submitter. Criteria: Invitae Variant Classification Sherloc (09022015). Collection method: clinical testing. Allele origin: germline.
Comment: This sequence change creates a premature translational stop signal (p.Arg1821*) in the DYSF gene. It is expected to result in an absent or disrupted protein product. Loss-of-function variants in DYSF are known to be pathogenic (PMID: 17698709, 20301480). This variant is not present in population databases (gnomAD no frequency). This premature translational stop signal has been observed in individual(s) with miyoshi myopathy (PMID: 25591676). For these reasons, this variant has been classified as Pathogenic.

Literature cited by the submitters: PubMed 17698709 (cited by Labcorp Genetics (formerly Invitae), Labcorp); PubMed 20301480 (cited by Labcorp Genetics (formerly Invitae), Labcorp); PubMed 25591676 (cited by Labcorp Genetics (formerly Invitae), Labcorp).